The following is an entry in ClinVar:

ClinVar aggregate classification (germline): Likely benign. Review status: criteria provided, multiple submitters, no conflicts (2 of 4 stars). 4 submissions from 4 submitters: Likely benign (3). 1 of the submissions does not count toward it. Last evaluated 2026-05-21.

Conditions:
AGXT-related disorder. Also called: AGXT-related condition.
Primary hyperoxaluria, type I (HP1). Also called: OXALOSIS I; Primary hyperoxaluria type 1; GLYCOLIC ACIDURIA; HEPATIC AGT DEFICIENCY. Identifiers: Orphanet 416, Orphanet 93598, MedGen C0268164, MONDO:0009823, OMIM 259900. Disease mechanism: loss of function.

Allele frequency attached by ClinVar (database versions not stated): gnomAD exomes 0.00002; gnomAD 0.00005 and 0.00006; TOPMed 0.00008.
gnomAD v4.1: 41 of 1,550,786 alleles (0.0026%); highest among the groups gnomAD compares: Admixed American, 0.0059%; no homozygotes.

Submissions (4):

PreventionGenetics, part of Exact Sciences
Classification: Likely benign for AGXT-related condition. Last evaluated: 2026-05-21. Review status: criteria provided, single submitter. Criteria: ACMG Guidelines, 2015. Collection method: clinical testing. Allele origin: germline.
Comment: This variant is classified as likely benign based on ACMG/AMP sequence variant interpretation guidelines (Richards et al. 2015 PMID: 25741868, with internal and published modifications).

Labcorp Genetics (formerly Invitae), Labcorp
Classification: Likely benign. Last evaluated: 2025-12-14. Review status: criteria provided, single submitter. Criteria: Invitae Variant Classification Sherloc (09022015). Collection method: clinical testing. Allele origin: germline.

Fulgent Genetics
Classification: Likely benign for Primary hyperoxaluria, type I. Last evaluated: 2021-12-30. Review status: criteria provided, single submitter. Criteria: ACMG Guidelines, 2015. Collection method: clinical testing. Allele origin: unknown.

Natera, Inc.
Classification: Likely benign for Primary hyperoxaluria type I. Last evaluated: 2021-05-26. Review status: no assertion criteria provided. Collection method: clinical testing. Allele origin: germline. Not counted in ClinVar's aggregate classification.

NM_000030.3(AGXT):c.888G>A (p.Ala296=)

Gene: AGXT (alanine--glyoxylate aminotransferase; plus strand). Cytogenetic location: 2q37.3.
Variant type: single nucleotide variant.
Coding change: c.888G>A on transcript NM_000030.3 (MANE Select); coding-DNA position 888, G replaced by A.
Protein change: p.Ala296=; no amino-acid change (alanine 296 retained).
Molecular consequence: synonymous variant.
Genome position (GRCh38, 1-based): chr2:240,877,578, G>A. VCF-style: chr2-240877578-G-A. GRCh37 (hg19) VCF-style: chr2-241816995-G-A.
Identifiers: ClinVar variation 763755 (VCV000763755.13), dbSNP rs979513298, ClinGen allele CA68180616.